The following is an entry in ClinVar:

ClinVar aggregate classification (germline): Uncertain significance. Review status: criteria provided, multiple submitters, no conflicts (2 of 4 stars). 2 submissions from 2 submitters: Uncertain significance (2). Last evaluated 2024-11-13.

Allele frequency attached by ClinVar (database versions not stated): TOPMed below 0.00001; gnomAD exomes 0.00001 and 0.00002; gnomAD 0.00002 and 0.00004; ExAC 0.00003.
gnomAD v4.1: 19 of 1,613,544 alleles (0.0012%); highest among the groups gnomAD compares: Admixed American, 0.013%; no homozygotes.

Submissions (2):

Blueprint Genetics
Classification: Uncertain significance. Last evaluated: 2024-11-13. Review status: criteria provided, single submitter. Criteria: ACMG Guidelines, 2015. Collection method: clinical testing. Allele origin: germline.

Labcorp Genetics (formerly Invitae), Labcorp
Classification: Uncertain significance. Last evaluated: 2022-09-12. Review status: criteria provided, single submitter. Criteria: Invitae Variant Classification Sherloc (09022015). Collection method: clinical testing. Allele origin: germline.
Comment: This variant is present in population databases (rs752287362, gnomAD 0.01%). This variant has not been reported in the literature in individuals affected with PDE6H-related conditions. ClinVar contains an entry for this variant (Variation ID: 1350820). Algorithms developed to predict the effect of missense changes on protein structure and function (SIFT, PolyPhen-2, Align-GVGD) all suggest that this variant is likely to be disruptive. In summary, the available evidence is currently insufficient to determine the role of this variant in disease. Therefore, it has been classified as a Variant of Uncertain Significance. This sequence change replaces arginine, which is basic and polar, with histidine, which is basic and polar, at codon 32 of the PDE6H protein (p.Arg32His).

NM_006205.3(PDE6H):c.95G>A (p.Arg32His)

Gene: PDE6H (phosphodiesterase 6H; plus strand). Cytogenetic location: 12p12.3.
Variant type: single nucleotide variant.
Coding change: c.95G>A on transcript NM_006205.3 (MANE Select); coding-DNA position 95, G replaced by A.
Protein change: p.Arg32His; replaces arginine 32 with histidine.
Molecular consequence: missense variant.
Genome position (GRCh38, 1-based): chr12:14,978,107, G>A. VCF-style: chr12-14978107-G-A. GRCh37 (hg19) VCF-style: chr12-15131041-G-A.
Other names: short protein forms R32H.
Identifiers: ClinVar variation 1350820 (VCV001350820.7), dbSNP rs752287362, ClinGen allele CA6465851.